The following is an entry in ClinVar:

NM_001377265.1(MAPT):c.220+2475G>A

Gene: MAPT (microtubule associated protein tau). Cytogenetic location: 17q21.31.
Variant type: single nucleotide variant.
Coding change: c.220+2475G>A on transcript NM_001377265.1 (MANE Select); 2475 bases into the intron after coding-DNA position 220, G replaced by A.
Molecular consequence: intron variant. On other transcripts: missense variant (4).
Genome position (GRCh38, 1-based): chr17:45,974,420, G>A. VCF-style: chr17-45974420-G-A. GRCh37 (hg19) VCF-style: chr17-44051786-G-A.
Other names: c.256G>A, p.Gly86Ser (NM_001123066.4, NM_001203252.2, NM_005910.6 and 1 more transcripts); c.134-3955G>A (NM_001377268.1, NM_016834.5, NM_016841.5); c.220+2475G>A (NM_001377266.1, NM_001123067.4, NM_001203251.2 and 1 more transcripts); short protein forms G86S.
Identifiers: ClinVar variation 98196 (VCV000098196.4), dbSNP rs63751135, ClinGen allele CA225385.

ClinVar aggregate classification (germline): Uncertain significance. Review status: criteria provided, multiple submitters, no conflicts (2 of 4 stars). 3 submissions from 3 submitters: Uncertain significance (2). 1 of the submissions does not count toward it. Last evaluated 2026-05-27.

Conditions:
Frontotemporal dementia (FTD1). Also called: Frontotemporal lobe dementia (FLDEM); WILHELMSEN-LYNCH DISEASE; Dementia, frontotemporal, with or without parkinsonism; FRONTOTEMPORAL DEMENTIA WITH PARKINSONISM; FRONTOTEMPORAL LOBE DEMENTIA; Frontotemporal Dementia with Parkinsonism-17 (FTDP-17). Identifiers: Orphanet 282, MedGen C0338451, MONDO:0017276, OMIM 600274, HP:0002145.

Allele frequency attached by ClinVar (database versions not stated): ESP Exome Variant Server 0.00008; gnomAD 0.00006; ExAC 0.00001; TOPMed 0.00005; gnomAD exomes 0.00003.
gnomAD v4.1: 85 of 1,610,596 alleles (0.0053%); highest among the groups gnomAD compares: South Asian, 0.0066%; no homozygotes.

Submissions (3):

Women's Health and Genetics/Laboratory Corporation of America, LabCorp
Classification: Uncertain significance. Last evaluated: 2026-05-27. Review status: criteria provided, single submitter. Criteria: LabCorp Variant Classification Summary - May 2015. Collection method: clinical testing. Allele origin: germline.
Comment: Variant summary: MAPT c.256G>A (p.Gly86Ser) results in a non-conservative amino acid change in the encoded protein sequence. Algorithms developed to predict the effect of missense changes on protein structure and function are either unavailable or do not agree on the potential impact of this missense change. The variant allele was found at a frequency of 2.9e-05 in 244352 control chromosomes (gnomAD). The available data on variant occurrences in the general population are insufficient to allow any conclusion about variant significance. c.256G>A has been observed in individual(s) affected with frontotemporal dementia and/or dementia with Lewy bodies (e.g. Stanford_2004, Orme_2020). These reports do not provide unequivocal conclusions about association of the variant with disease. To our knowledge, no experimental evidence demonstrating an impact on protein function has been reported. The following publications have been ascertained in the context of this evaluation (PMID: 15372253, 31996268). ClinVar contains an entry for this variant (Variation ID: 98196). Based on the evidence outlined above, the variant was classified as uncertain significance.

Labcorp Genetics (formerly Invitae), Labcorp
Classification: Uncertain significance for Frontotemporal dementia. Last evaluated: 2024-10-12. Review status: criteria provided, single submitter. Criteria: Invitae Variant Classification Sherloc (09022015). Collection method: clinical testing. Allele origin: germline.
Comment: This sequence change replaces glycine, which is neutral and non-polar, with serine, which is neutral and polar, at codon 86 of the MAPT protein (p.Gly86Ser). This variant is present in population databases (rs63751135, gnomAD 0.005%). This missense change has been observed in individual(s) with frontotemporal dementia and/or dementia with Lewy bodies (PMID: 15372253, 31996268). ClinVar contains an entry for this variant (Variation ID: 98196). An algorithm developed to predict the effect of missense changes on protein structure and function outputs the following: PolyPhen-2: "Benign". The serine amino acid residue is found in multiple mammalian species, which suggests that this missense change does not adversely affect protein function. In summary, the available evidence is currently insufficient to determine the role of this variant in disease. Therefore, it has been classified as a Variant of Uncertain Significance.

VIB  Department of Molecular Genetics, University of Antwerp
No classification provided. Review status: no classification provided. Collection method: not provided. Allele origin: not provided. Not counted in ClinVar's aggregate classification.

Literature cited by the submitters: PubMed 31996268 (cited by Women's Health and Genetics/Laboratory Corporation of America, LabCorp and Labcorp Genetics (formerly Invitae), Labcorp); PubMed 15372253 (cited by Women's Health and Genetics/Laboratory Corporation of America, LabCorp and Labcorp Genetics (formerly Invitae), Labcorp).